The following is an entry in ClinVar:

ClinVar aggregate classification (germline): Uncertain significance. Review status: criteria provided, multiple submitters, no conflicts (2 of 4 stars). 2 submissions from 2 submitters: Uncertain significance (2). Last evaluated 2026-02-23.

Submissions (2):

Ambry Genetics
Classification: Uncertain significance. Last evaluated: 2026-02-23. Review status: criteria provided, single submitter. Criteria: Ambry Variant Classification Scheme 2023. Collection method: clinical testing. Allele origin: germline.
Comment: The p.I60F variant (also known as c.178A>T), located in coding exon 2 of the GEN1 gene, results from an A to T substitution at nucleotide position 178. The isoleucine at codon 60 is replaced by phenylalanine, an amino acid with highly similar properties. This amino acid position is conserved. In addition, the in silico prediction for this alteration is inconclusive. Based on the available evidence, the clinical significance of this variant remains unclear.

Labcorp Genetics (formerly Invitae), Labcorp
Classification: Uncertain significance. Last evaluated: 2024-10-29. Review status: criteria provided, single submitter. Criteria: Invitae Variant Classification Sherloc (09022015). Collection method: clinical testing. Allele origin: germline.
Comment: This sequence change replaces isoleucine, which is neutral and non-polar, with phenylalanine, which is neutral and non-polar, at codon 60 of the GEN1 protein (p.Ile60Phe). This variant is not present in population databases (gnomAD no frequency). This variant has not been reported in the literature in individuals affected with GEN1-related conditions. An algorithm developed to predict the effect of missense changes on protein structure and function (PolyPhen-2) suggests that this variant is likely to be tolerated. In summary, the available evidence is currently insufficient to determine the role of this variant in disease. Therefore, it has been classified as a Variant of Uncertain Significance.

NM_001130009.3(GEN1):c.178A>T (p.Ile60Phe)

Gene: GEN1 (GEN1 structure-specific endonuclease; plus strand). Cytogenetic location: 2p24.2.
Variant type: single nucleotide variant.
Coding change: c.178A>T on transcript NM_001130009.3 (MANE Select); coding-DNA position 178, A replaced by T.
Protein change: p.Ile60Phe; replaces isoleucine 60 with phenylalanine.
Molecular consequence: missense variant.
Genome position (GRCh38, 1-based): chr2:17,761,412, A>T. VCF-style: chr2-17761412-A-T. GRCh37 (hg19) VCF-style: chr2-17942679-A-T.
Other names: c.178A>T (NM_001130009.1); c.178A>T, p.Ile60Phe (NM_182625.5); short protein forms I60F.
Identifiers: ClinVar variation 3692819 (VCV003692819.3).